The following is an entry in ClinVar:

NM_001267550.2(TTN):c.75155G>A (p.Arg25052His)

Genes: TTN (titin; minus strand), TTN-AS1 (TTN antisense RNA 1; plus strand). Cytogenetic location: 2q31.2.
Variant type: single nucleotide variant.
Coding change: c.75155G>A on transcript NM_001267550.2 (MANE Select); coding-DNA position 75155, G replaced by A.
Protein change: p.Arg25052His; replaces arginine 25052 with histidine.
Molecular consequence: missense variant.
Genome position (GRCh38, 1-based): chr2:178,570,977, C>T on the plus strand (G>A on the coding strand, the complement: TTN is on the minus strand). VCF-style: chr2-178570977-C-T. GRCh37 (hg19) VCF-style: chr2-179435704-C-T.
Other names: c.70232G>A, p.Arg23411His (NM_001256850.1); c.47960G>A, p.Arg15987His (NM_003319.4); c.67451G>A, p.Arg22484His (NM_133378.4); c.48335G>A, p.Arg16112His (NM_133432.3); c.48536G>A, p.Arg16179His (NM_133437.4); short protein forms R22484H, R25052H, R16112H, R16179H, R15987H, R23411H.
Identifiers: ClinVar variation 167770 (VCV000167770.15), dbSNP rs542720402, ClinGen allele CA235074.

ClinVar aggregate classification (germline): Uncertain significance. Review status: criteria provided, multiple submitters, no conflicts (2 of 4 stars). 4 submissions from 4 submitters: Uncertain significance (4). Last evaluated 2021-12-16.

Conditions:
Dilated cardiomyopathy 1G (CMD1G). Identifiers: Orphanet 154, MedGen C1858763, MONDO:0011400, OMIM 604145.
Autosomal recessive limb-girdle muscular dystrophy type 2J (LGMDR10). Also called: MUSCULAR DYSTROPHY, LIMB-GIRDLE, AUTOSOMAL RECESSIVE 10; Limb-girdle muscular dystrophy, type 2J. Identifiers: Orphanet 140922, MedGen C1837342, MONDO:0012127, OMIM 608807.

Allele frequency attached by ClinVar (database versions not stated): ExAC 0.00003; 1000 Genomes Project 0.00020; 1000 Genomes Project 30x 0.00016; gnomAD 0.00002 and 0.00001; gnomAD exomes 0.00001 and 0.00002; TOPMed 0.00001.

Submissions (4):

Revvity Omics, Revvity
Classification: Uncertain significance. Last evaluated: 2021-12-16. Review status: criteria provided, single submitter. Criteria: ACMG Guidelines, 2015. Collection method: clinical testing. Allele origin: germline.

Labcorp Genetics (formerly Invitae), Labcorp
Classification: Uncertain significance for Dilated cardiomyopathy 1G; Autosomal recessive limb-girdle muscular dystrophy type 2J. Last evaluated: 2017-12-05. Review status: criteria provided, single submitter. Criteria: Invitae Variant Classification Sherloc (09022015). Collection method: clinical testing. Allele origin: germline.

Laboratory for Molecular Medicine, Mass General Brigham Personalized Medicine
Classification: Uncertain significance. Last evaluated: 2015-07-02. Review status: criteria provided, single submitter. Criteria: LMM Criteria. Collection method: clinical testing. Allele origin: germline. Observed: 1 variant allele.
Comment: The p.Arg22484His variant in TTN has not been previously reported in individuals with cardiomyopathy, but has been identified in 2/8606 East Asian chromosomes b y the Exome Aggregation Consortium (ExAC; dbSNP rs542720402). Computational prediction tools and conservation analysis do not pr ovide strong support for or against an impact to the protein. In summary, the cl inical significance of the p.Arg22484His variant is uncertain.

Eurofins Ntd Llc (ga)
Classification: Uncertain significance. Last evaluated: 2014-04-17. Review status: criteria provided, single submitter. Criteria: EGL Classification Definitions 2015. Collection method: clinical testing. Allele origin: germline. Observed: 1 variant allele, 1 heterozygote.